The following is an entry in ClinVar:

ClinVar aggregate classification (germline): Pathogenic/Likely pathogenic. Review status: criteria provided, multiple submitters, no conflicts (2 of 4 stars). 2 submissions from 2 submitters: Pathogenic (1); Likely pathogenic (1). Last evaluated 2020-05-20.

Conditions:
COL6A2-related disorder.
Bethlem myopathy 1A. Also called: MYOPATHY, BENIGN CONGENITAL, WITH CONTRACTURES; Bethlem myopathy 1; Bethlem Muscular Dystrophy. Identifiers: Orphanet 610, MedGen CN029274, MONDO:0024530, OMIM 158810.

Submissions (2):

Labcorp Genetics (formerly Invitae), Labcorp
Classification: Pathogenic for Bethlem myopathy 1A. Last evaluated: 2020-05-20. Review status: criteria provided, single submitter. Criteria: Invitae Variant Classification Sherloc (09022015). Collection method: clinical testing. Allele origin: germline.
Comment: For these reasons, this variant has been classified as Pathogenic. This sequence change results in a premature translational stop signal in the COL6A2 gene (p.Ile834Argfs*12). While this is not anticipated to result in nonsense mediated decay, it is expected to disrupt the last 186 amino acids of the COL6A2 protein. This variant disrupts the C-terminus of the COL6A2 protein. Other variant(s) that disrupt this region (p.Tyr1002*) have been determined to be pathogenic (PMID: 29419890). This suggests that variants that disrupt this region of the protein are likely to be causative of disease. This variant has not been reported in the literature in individuals with COL6A2-related conditions. This variant is not present in population databases (ExAC no frequency).

Blueprint Genetics
Classification: Likely pathogenic for COL6A2-related disorders. Last evaluated: 2019-06-10. Review status: criteria provided, single submitter. Criteria: ACMG Guidelines, 2015. Collection method: clinical testing. Allele origin: germline. Affected: yes. Observed: 1 variant allele.

Literature cited by the submitters: PubMed 29419890 (cited by Labcorp Genetics (formerly Invitae), Labcorp).

NM_001849.4(COL6A2):c.2500_2501del (p.Ile834fs)

Gene: COL6A2 (collagen type VI alpha 2 chain; plus strand). Cytogenetic location: 21q22.3.
Variant type: Deletion.
Coding change: c.2500_2501del on transcript NM_001849.4 (MANE Select); coding-DNA positions 2500 to 2501, 2 bases deleted (AT; older notation c.2500_2501delAT).
Protein change: p.Ile834fs; shifts the reading frame from isoleucine 834.
Molecular consequence: frameshift variant.
Genome position (GRCh38, 1-based): chr21:46,131,992-46,131,993, AT deleted. VCF-style (leftmost placement, unchanged base first): chr21-46131991-CAT-C. GRCh37 (hg19) VCF-style: chr21-47551905-CAT-C.
Other names: short protein forms I834fs.
Identifiers: ClinVar variation 1075831 (VCV001075831.10), dbSNP rs2123454477, ClinGen allele CA2499225999.
Genomic context (GRCh38, chr21:46,131,991, plus strand): 5'-CCCGCACCTGCGTCTCCCCACAGAGCTGTCCGTGGCACAGTGCACGCAGCGGCCCGTGGA[CAT>C]CGTCTTCCTGCTGGACGGCTCCGAGCGGCTGGGTGAGCAGAACTTCCACAAGGCCCGGCG-3'